The following is an entry in ClinVar:

NM_170665.4(ATP2A2):c.2839del (p.Leu947fs)

Gene: ATP2A2 (ATPase sarcoplasmic/endoplasmic reticulum Ca2+ transporting 2; plus strand). Cytogenetic location: 12q24.11.
Variant type: Deletion.
Coding change: c.2839del on transcript NM_170665.4 (MANE Select); coding-DNA position 2839, one base deleted (C; older notation c.2839delC).
Protein change: p.Leu947fs; shifts the reading frame from leucine 947.
Molecular consequence: frameshift variant.
Genome position (GRCh38, 1-based): chr12:110,346,098, C deleted; the last of 2 consecutive C bases (chr12:110,346,097-110,346,098); deleting either gives the same sequence. VCF-style (leftmost placement, unchanged base first): chr12-110346096-TC-T. GRCh37 (hg19) VCF-style: chr12-110783901-TC-T.
Other names: c.2734del, p.Leu912fs (NM_001413013.1); c.2839del, p.Leu947fs (NM_001413014.1, NM_001681.4); c.2464del, p.Leu822fs (NM_001413015.1); short protein forms L912fs, L822fs, L947fs.
Identifiers: ClinVar variation 4727593 (VCV004727593.1).
Genomic context (GRCh38, chr12:110,346,096, plus strand): 5'-CCTGGGAGAACATCTGGCTCGTGGGCTCCATCTGCCTGTCCATGTCACTCCACTTCCTGA[TC>T]CTCTATGTCGAACCCTTGCCAGTAAGTGGTTGGGTGGGGCTTGGGACCAGCCACCTCCTT-3'

ClinVar aggregate classification (germline): Pathogenic (1 of 4 stars; one submission).

Submission:

Labcorp Genetics (formerly Invitae), Labcorp
Classification: Pathogenic. Last evaluated: 2025-09-21. Review status: criteria provided, single submitter. Criteria: Invitae Variant Classification Sherloc (09022015). Collection method: clinical testing. Allele origin: germline.
Comment: This sequence change creates a premature translational stop signal (p.Leu947Serfs*15) in the ATP2A2 gene. It is expected to result in an absent or disrupted protein product. Loss-of-function variants in ATP2A2 are known to be pathogenic (PMID: 10080178, 10441324). This variant is not present in population databases (gnomAD no frequency). This variant has not been reported in the literature in individuals affected with ATP2A2-related conditions. For these reasons, this variant has been classified as Pathogenic.

Literature cited by the submitters: PubMed 10080178; PubMed 10441324.